The following is an entry in ClinVar:

ClinVar aggregate classification (germline): Conflicting classifications of pathogenicity. Review status: criteria provided, conflicting classifications (1 of 4 stars). 2 submissions from 2 submitters: Uncertain significance (1); Benign (1). Last evaluated 2025-04-02.

Allele frequency attached by ClinVar (database versions not stated): gnomAD 0.00001; TOPMed below 0.00001.
gnomAD v4.1: 1 of 1,613,450 alleles (0.000062%); highest among the groups gnomAD compares: Non-Finnish European, 0.000085%; no homozygotes.

Submissions (2):

Women's Health and Genetics/Laboratory Corporation of America, LabCorp
Classification: Uncertain significance. Last evaluated: 2025-04-02. Review status: criteria provided, single submitter. Criteria: LabCorp Variant Classification Summary - May 2015. Collection method: clinical testing. Allele origin: germline.
Comment: Variant summary: ADGRV1 c.13255A>G (p.Met4419Val) results in a conservative amino acid change in the encoded protein sequence. Five of five in-silico tools predict a benign effect of the variant on protein function. The variant was absent in 248942 control chromosomes. The available data on variant occurrences in the general population are insufficient to allow any conclusion about variant significance. c.13255A>G has been reported in the literature in a compound heterozygous individual affected with Rolandic epilepsy, without strong evidence for causality (e.g. Liu_2022). This report does not provide unequivocal conclusions about association of the variant with Usher Syndrome. To our knowledge, no experimental evidence demonstrating an impact on protein function has been reported. The following publication has been ascertained in the context of this evaluation (PMID: 34160719). ClinVar contains an entry for this variant (Variation ID: 1686381). Based on the evidence outlined above, the variant was classified as uncertain significance.

Mendelics
Classification: Benign. Last evaluated: 2022-05-04. Review status: criteria provided, single submitter. Criteria: Mendelics Assertion Criteria 2019. Collection method: clinical testing. Allele origin: germline.

Literature cited by the submitters: PubMed 34160719 (cited by Women's Health and Genetics/Laboratory Corporation of America, LabCorp).

NM_032119.4(ADGRV1):c.13255A>G (p.Met4419Val)

Gene: ADGRV1 (adhesion G protein-coupled receptor V1; plus strand). Cytogenetic location: 5q14.3.
Variant type: single nucleotide variant.
Coding change: c.13255A>G on transcript NM_032119.4 (MANE Select); coding-DNA position 13255, A replaced by G.
Protein change: p.Met4419Val; replaces methionine 4419 with valine.
Molecular consequence: missense variant. On other transcripts: non-coding transcript variant (1).
Genome position (GRCh38, 1-based): chr5:90,783,147, A>G. VCF-style: chr5-90783147-A-G. GRCh37 (hg19) VCF-style: chr5-90078964-A-G.
Other names: short protein forms M4419V.
Identifiers: ClinVar variation 1686381 (VCV001686381.3), dbSNP rs1373626737, ClinGen allele CA360392673.